The following is an entry in ClinVar:

ClinVar aggregate classification (germline): Uncertain significance (1 of 4 stars; one submission).

Conditions:
Congenital myasthenic syndrome 15. Also called: Myasthenic syndrome, congenital, 15, without tubular aggregates. Identifiers: Orphanet 353327, Orphanet 590, MedGen C4015596, MONDO:0014542, OMIM 616227.

Allele frequency attached by ClinVar (database versions not stated): TOPMed below 0.00001; gnomAD 0.00001.
gnomAD v4.1: 2 of 1,611,834 alleles (0.00012%); highest among the groups gnomAD compares: Non-Finnish European, 0.00017%; no homozygotes.

Submission:

Labcorp Genetics (formerly Invitae), Labcorp
Classification: Uncertain significance for Congenital myasthenic syndrome 15. Last evaluated: 2025-05-30. Review status: criteria provided, single submitter. Criteria: Invitae Variant Classification Sherloc (09022015). Collection method: clinical testing. Allele origin: germline.
Comment: This sequence change replaces serine, which is neutral and polar, with glycine, which is neutral and non-polar, at codon 94 of the ALG14 protein (p.Ser94Gly). This variant is present in population databases (no rsID available, gnomAD 0.007%). This variant has not been reported in the literature in individuals affected with ALG14-related conditions. ClinVar contains an entry for this variant (Variation ID: 1058515). An algorithm developed to predict the effect of missense changes on protein structure and function outputs the following: PolyPhen-2: "Benign". The glycine amino acid residue is found in multiple mammalian species, which suggests that this missense change does not adversely affect protein function. In summary, the available evidence is currently insufficient to determine the role of this variant in disease. Therefore, it has been classified as a Variant of Uncertain Significance.

NM_144988.4(ALG14):c.280A>G (p.Ser94Gly)

Genes: ALG14 (ALG14 UDP-N-acetylglucosaminyltransferase subunit; minus strand), ALG14-AS1 (ALG14 antisense RNA 1; plus strand). Cytogenetic location: 1p21.3.
Variant type: single nucleotide variant.
Coding change: c.280A>G on transcript NM_144988.4 (MANE Select); coding-DNA position 280, A replaced by G.
Protein change: p.Ser94Gly; replaces serine 94 with glycine.
Molecular consequence: missense variant.
Genome position (GRCh38, 1-based): chr1:95,064,874, T>C on the plus strand (A>G on the coding strand, the complement: ALG14 is on the minus strand). VCF-style: chr1-95064874-T-C. GRCh37 (hg19) VCF-style: chr1-95530430-T-C.
Other names: c.280A>G, p.Ser94Gly (NM_001305242.2); short protein forms S94G.
Identifiers: ClinVar variation 1058515 (VCV001058515.9), dbSNP rs1360024892, ClinGen allele CA341366389.